The following is an entry in ClinVar:

ClinVar aggregate classification (germline): Conflicting classifications of pathogenicity. Review status: criteria provided, conflicting classifications (1 of 4 stars). 4 submissions from 4 submitters: Uncertain significance (2); Likely benign (2). Last evaluated 2025-12-30.

Conditions:
POLG2-related disorder. Also called: POLG2-related condition; POLG2-related disorders.

Allele frequency attached by ClinVar (database versions not stated): gnomAD exomes 0.00005 and 0.00015; ExAC 0.00018; gnomAD 0.00050 and 0.00054; TOPMed 0.00053; 1000 Genomes Project 30x 0.00062; ESP Exome Variant Server 0.00069; 1000 Genomes Project 0.00080.
gnomAD v4.1: 145 of 1,613,226 alleles (0.009%); highest among the groups gnomAD compares: African/African-American, 0.18%; no homozygotes.

Submissions (4):

Labcorp Genetics (formerly Invitae), Labcorp
Classification: Likely benign. Last evaluated: 2025-12-30. Review status: criteria provided, single submitter. Criteria: Invitae Variant Classification Sherloc (09022015). Collection method: clinical testing. Allele origin: germline.

PreventionGenetics, part of Exact Sciences
Classification: Likely benign for POLG2-related condition. Last evaluated: 2025-12-29. Review status: criteria provided, single submitter. Criteria: ACMG Guidelines, 2015. Collection method: clinical testing. Allele origin: germline.
Comment: This variant is classified as likely benign based on ACMG/AMP sequence variant interpretation guidelines (Richards et al. 2015 PMID: 25741868, with internal and published modifications).

GeneDx
Classification: Uncertain significance. Last evaluated: 2025-07-14. Review status: criteria provided, single submitter. Criteria: GeneDx Variant Classification Process June 2021. Collection method: clinical testing. Allele origin: germline. Affected: yes.
Comment: Has not been previously published as pathogenic or benign to our knowledge; In silico analysis suggests that this missense variant does not alter protein structure/function

Revvity Omics, Revvity
Classification: Uncertain significance. Last evaluated: 2021-11-02. Review status: criteria provided, single submitter. Criteria: ACMG Guidelines, 2015. Collection method: clinical testing. Allele origin: germline.

NM_007215.4(POLG2):c.466A>G (p.Ile156Val)

Genes: POLG2 (DNA polymerase gamma 2, accessory subunit; minus strand), MILR1 (mast cell immunoglobulin like receptor 1; plus strand). Cytogenetic location: 17q23.3.
Variant type: single nucleotide variant.
Coding change: c.466A>G on transcript NM_007215.4 (MANE Select); coding-DNA position 466, A replaced by G.
Protein change: p.Ile156Val; replaces isoleucine 156 with valine.
Molecular consequence: missense variant.
Genome position (GRCh38, 1-based): chr17:64,496,503, T>C on the plus strand (A>G on the coding strand, the complement: POLG2 is on the minus strand). VCF-style: chr17-64496503-T-C. GRCh37 (hg19) VCF-style: chr17-62492621-T-C.
Other names: short protein forms I156V.
Identifiers: ClinVar variation 449083 (VCV000449083.19), dbSNP rs137901677, ClinGen allele CA8713021.